The following is an entry in ClinVar:

ClinVar aggregate classification (germline): Uncertain significance. Review status: criteria provided, multiple submitters, no conflicts (2 of 4 stars). 2 submissions from 2 submitters: Uncertain significance (2). Last evaluated 2024-05-25.

Conditions:
Inborn genetic diseases. Identifiers: MedGen C0950123, MeSH D030342.

Allele frequency attached by ClinVar (database versions not stated): gnomAD 0.00001; TOPMed 0.00001; gnomAD exomes 0.00001; 1000 Genomes Project 30x 0.00016; ExAC 0.00001; 1000 Genomes Project 0.00020.
gnomAD v4.1: 12 of 1,614,120 alleles (0.00074%); highest among the groups gnomAD compares: East Asian, 0.0045%; no homozygotes.

Submissions (2):

Labcorp Genetics (formerly Invitae), Labcorp
Classification: Uncertain significance. Last evaluated: 2024-05-25. Review status: criteria provided, single submitter. Criteria: Invitae Variant Classification Sherloc (09022015). Collection method: clinical testing. Allele origin: germline.
Comment: This sequence change replaces arginine, which is basic and polar, with glutamine, which is neutral and polar, at codon 1408 of the COL7A1 protein (p.Arg1408Gln). This variant is present in population databases (rs576204059, gnomAD 0.01%). This variant has not been reported in the literature in individuals affected with COL7A1-related conditions. ClinVar contains an entry for this variant (Variation ID: 1522186). Advanced modeling of protein sequence and biophysical properties (such as structural, functional, and spatial information, amino acid conservation, physicochemical variation, residue mobility, and thermodynamic stability) performed at Invitae indicates that this missense variant is not expected to disrupt COL7A1 protein function with a negative predictive value of 95%. In summary, the available evidence is currently insufficient to determine the role of this variant in disease. Therefore, it has been classified as a Variant of Uncertain Significance.

Ambry Genetics
Classification: Uncertain significance for Inborn genetic diseases. Last evaluated: 2023-06-06. Review status: criteria provided, single submitter. Criteria: Ambry Variant Classification Scheme 2023. Collection method: clinical testing. Allele origin: germline.

NM_000094.4(COL7A1):c.4223G>A (p.Arg1408Gln)

Gene: COL7A1 (collagen type VII alpha 1 chain; minus strand). Cytogenetic location: 3p21.31.
Variant type: single nucleotide variant.
Coding change: c.4223G>A on transcript NM_000094.4 (MANE Select); coding-DNA position 4223, G replaced by A.
Protein change: p.Arg1408Gln; replaces arginine 1408 with glutamine.
Molecular consequence: missense variant.
Genome position (GRCh38, 1-based): chr3:48,584,036, C>T on the plus strand (G>A on the coding strand, the complement: COL7A1 is on the minus strand). VCF-style: chr3-48584036-C-T. GRCh37 (hg19) VCF-style: chr3-48621469-C-T.
Other names: c.4223G>A (NM_000094.3); short protein forms R1408Q.
Identifiers: ClinVar variation 1522186 (VCV001522186.7), dbSNP rs576204059, ClinGen allele CA2380160.
Genomic context (GRCh38, chr3:48,584,036, plus strand): 5'-GGAATGAACAGGGGAATCAGACTCCAAGCCACCCCTAGCACAACCTGTCCCTCACTTACC[C>T]GCTCCCCACGATCGCCTTTGTCACCCTAGAAAACAGATGACGACCCCATGACCCTGGGCC-3'
Protein context (NP_000085.1, residues 1398-1418): MKGDKGDRGE[Arg1408Gln]GPPGPGEGGI